The following is an entry in ClinVar:

NM_152383.5(DIS3L2):c.23T>G (p.Met8Arg)

Gene: DIS3L2 (DIS3 like 3'-5' exoribonuclease 2; plus strand). Cytogenetic location: 2q37.1.
Variant type: single nucleotide variant.
Coding change: c.23T>G on transcript NM_152383.5 (MANE Select); coding-DNA position 23, T replaced by G.
Protein change: p.Met8Arg; replaces methionine 8 with arginine.
Molecular consequence: missense variant. On other transcripts: non-coding transcript variant (2).
Genome position (GRCh38, 1-based): chr2:232,014,950, T>G. VCF-style: chr2-232014950-T-G. GRCh37 (hg19) VCF-style: chr2-232879660-T-G.
Other names: c.23T>G, p.Met8Arg (NM_001257281.2, NM_001257282.2); short protein forms M8R.
Identifiers: ClinVar variation 2159968 (VCV002159968.4), dbSNP rs2469593960, ClinGen allele CA351151069.
Genomic context (GRCh38, chr2:232,014,950, plus strand): 5'-CTCTGGATCTGGAGAGAAGAGTGACCTTGGAGCCAATAATGAGCCATCCTGACTACAGAA[T>G]GAACCTCCGGCCCCTGGGGACCCCCAGAGGTAGTAAAAGGAAAATGGAGTCTGCCTGAAT-3'
Protein context (NP_689596.4, residues 1-18): MSHPDYR[Met8Arg]NLRPLGTPRG

ClinVar aggregate classification (germline): Uncertain significance (1 of 4 stars; one submission).

Conditions:
Perlman syndrome (PRLMNS). Identifiers: Orphanet 2849, MedGen C0796113, MONDO:0009965, OMIM 267000.

Submission:

Labcorp Genetics (formerly Invitae), Labcorp
Classification: Uncertain significance for Perlman syndrome. Last evaluated: 2022-10-27. Review status: criteria provided, single submitter. Criteria: Invitae Variant Classification Sherloc (09022015). Collection method: clinical testing. Allele origin: germline.
Comment: In summary, the available evidence is currently insufficient to determine the role of this variant in disease. Therefore, it has been classified as a Variant of Uncertain Significance. Algorithms developed to predict the effect of missense changes on protein structure and function (SIFT, PolyPhen-2, Align-GVGD) all suggest that this variant is likely to be tolerated. This variant has not been reported in the literature in individuals affected with DIS3L2-related conditions. This variant is not present in population databases (gnomAD no frequency). This sequence change replaces methionine, which is neutral and non-polar, with arginine, which is basic and polar, at codon 8 of the DIS3L2 protein (p.Met8Arg).